The following is an entry in ClinVar:

NM_018897.3(DNAH7):c.4549-5_4549-3dup

Gene: DNAH7 (dynein axonemal heavy chain 7; minus strand). Cytogenetic location: 2q32.3.
Variant type: Duplication.
Coding change: c.4549-5_4549-3dup on transcript NM_018897.3 (MANE Select); 5 bases into the intron before coding-DNA position 4549 through 3 bases into the intron before coding-DNA position 4549, 3 bases duplicated (TTT; older notation c.4549-5_4549-3dupTTT).
Molecular consequence: intron variant.
Genome position (GRCh38, 1-based): chr2:195,897,768-195,897,770, AAA duplicated on the plus strand (TTT on the coding strand, the reverse complement: DNAH7 is on the minus strand); duplicating any 3 consecutive bases within chr2:195,897,768-195,897,784 gives the same sequence; the c. name uses the placement nearest the transcript's 3' end. VCF-style (leftmost placement, unchanged base first): chr2-195897767-T-TAAA. GRCh37 (hg19) VCF-style: chr2-196762491-T-TAAA.
Identifiers: ClinVar variation 3048456 (VCV003048456.2), dbSNP rs61502519, ClinGen allele CA2035673.

ClinVar aggregate classification (germline): Likely benign (0 of 4 stars; one submission).

Conditions:
DNAH7-related disorder. Also called: DNAH7-related condition.

Submission:

PreventionGenetics, part of Exact Sciences
Classification: Likely benign for DNAH7-related condition. Last evaluated: 2019-11-27. Review status: no assertion criteria provided. Collection method: clinical testing. Allele origin: germline.
Comment: This variant is classified as likely benign based on ACMG/AMP sequence variant interpretation guidelines (Richards et al. 2015 PMID: 25741868, with internal and published modifications).